The following is an entry in ClinVar:

NM_002296.4(LBR):c.403dup (p.Glu135fs)

Gene: LBR (lamin B receptor; minus strand). Cytogenetic location: 1q42.12.
Variant type: Duplication.
Coding change: c.403dup on transcript NM_002296.4 (MANE Select); coding-DNA position 403, one base duplicated (G; older notation c.403dupG).
Protein change: p.Glu135fs; shifts the reading frame from glutamic acid 135.
Molecular consequence: frameshift variant.
Genome position (GRCh38, 1-based): chr1:225,419,762, C duplicated on the plus strand (G on the coding strand, the reverse complement: LBR is on the minus strand); the first of 4 consecutive C bases (chr1:225,419,762-225,419,765); duplicating any one gives the same sequence. VCF-style (leftmost placement, unchanged base first): chr1-225419761-T-TC. GRCh37 (hg19) VCF-style: chr1-225607463-T-TC.
Other names: c.403dup, p.Glu135fs (NM_194442.3); short protein forms E135fs.
Identifiers: ClinVar variation 1441841 (VCV001441841.6), dbSNP rs1193780362, ClinGen allele CA529463361.

ClinVar aggregate classification (germline): Pathogenic (1 of 4 stars; one submission).

Submission:

Labcorp Genetics (formerly Invitae), Labcorp
Classification: Pathogenic. Last evaluated: 2022-02-03. Review status: criteria provided, single submitter. Criteria: Invitae Variant Classification Sherloc (09022015). Collection method: clinical testing. Allele origin: germline.
Comment: This sequence change creates a premature translational stop signal (p.Glu135Glyfs*3) in the LBR gene. It is expected to result in an absent or disrupted protein product. Loss-of-function variants in LBR are known to be pathogenic (PMID: 12118250, 12618959, 21327084). This variant is present in population databases (no rsID available, gnomAD 0.0009%). This variant has not been reported in the literature in individuals affected with LBR-related conditions. For these reasons, this variant has been classified as Pathogenic.

Literature cited by the submitters: PubMed 12118250; PubMed 12618959; PubMed 21327084.